The following is an entry in ClinVar:

ClinVar aggregate classification (germline): Uncertain significance (1 of 4 stars; one submission).

Conditions:
Primary ciliary dyskinesia. Also called: Ciliary dyskinesia. Identifiers: Orphanet 244, MedGen C0008780, MONDO:0016575, HP:0012265.

Submission:

Labcorp Genetics (formerly Invitae), Labcorp
Classification: Uncertain significance for Primary ciliary dyskinesia. Last evaluated: 2019-10-14. Review status: criteria provided, single submitter. Criteria: Invitae Variant Classification Sherloc (09022015). Collection method: clinical testing. Allele origin: germline.
Comment: This sequence change replaces histidine with arginine at codon 107 of the DRC1 protein (p.His107Arg). The histidine residue is moderately conserved and there is a small physicochemical difference between histidine and arginine. This variant is not present in population databases (ExAC no frequency). This variant has not been reported in the literature in individuals with DRC1-related conditions. Algorithms developed to predict the effect of missense changes on protein structure and function (SIFT, PolyPhen-2, Align-GVGD) all suggest that this variant is likely to be tolerated, but these predictions have not been confirmed by published functional studies and their clinical significance is uncertain. In summary, the available evidence is currently insufficient to determine the role of this variant in disease. Therefore, it has been classified as a Variant of Uncertain Significance.

NM_145038.5(DRC1):c.320A>G (p.His107Arg)

Gene: DRC1 (dynein regulatory complex subunit 1; plus strand). Cytogenetic location: 2p23.3.
Variant type: single nucleotide variant.
Coding change: c.320A>G on transcript NM_145038.5 (MANE Select); coding-DNA position 320, A replaced by G.
Protein change: p.His107Arg; replaces histidine 107 with arginine.
Molecular consequence: missense variant.
Genome position (GRCh38, 1-based): chr2:26,421,364, A>G. VCF-style: chr2-26421364-A-G. GRCh37 (hg19) VCF-style: chr2-26644232-A-G.
Other names: short protein forms H107R.
Identifiers: ClinVar variation 957493 (VCV000957493.10), dbSNP rs1663137062, ClinGen allele CA346097799.